The following is an entry in ClinVar:

NM_001042492.3(NF1):c.6642+8A>G

Gene: NF1 (neurofibromin 1; plus strand). Cytogenetic location: 17q11.2.
Variant type: single nucleotide variant.
Coding change: c.6642+8A>G on transcript NM_001042492.3 (MANE Select); 8 bases into the intron after coding-DNA position 6642, A replaced by G.
Molecular consequence: intron variant.
Genome position (GRCh38, 1-based): chr17:31,337,590, A>G. VCF-style: chr17-31337590-A-G. GRCh37 (hg19) VCF-style: chr17-29664608-A-G.
Other names: c.6579+8A>G (NM_000267.4).
Identifiers: ClinVar variation 4875820 (VCV004875820.1).

ClinVar aggregate classification (germline): Likely benign (1 of 4 stars; one submission).

Conditions:
Neurofibromatosis, type 1 (NF1). Also called: VON RECKLINGHAUSEN DISEASE; NEUROFIBROMATOSIS, TYPE I, SOMATIC; Peripheral type neurofibromatosis; Neurofibromatosis, type I. Identifiers: Orphanet 636, MedGen C0027831, MONDO:0018975, OMIM 162200. Disease mechanism: loss of function.

Submission:

Myriad Genetics, Inc.
Classification: Likely benign for Neurofibromatosis, type 1. Last evaluated: 2026-05-13. Review status: criteria provided, single submitter. Criteria: Myriad Autosomal Dominant, Autosomal Recessive and X-Linked Classification Criteria (2023). Collection method: clinical testing. Allele origin: unknown.
Comment: This variant is considered likely benign. This variant is intronic and is not expected to impact mRNA splicing.